The following is an entry in ClinVar:

NM_001414.4(EIF2B1):c.820G>A (p.Asp274Asn)

Genes: EIF2B1 (eukaryotic translation initiation factor 2B subunit alpha; minus strand), LOC126861664 (CDK7 strongly-dependent group 2 enhancer GRCh37_chr12:124105924-124107123; plus strand). Cytogenetic location: 12q24.31.
Variant type: single nucleotide variant.
Coding change: c.820G>A on transcript NM_001414.4 (MANE Select); coding-DNA position 820, G replaced by A.
Protein change: p.Asp274Asn; replaces aspartic acid 274 with asparagine.
Molecular consequence: missense variant.
Genome position (GRCh38, 1-based): chr12:123,621,854, C>T on the plus strand (G>A on the coding strand, the complement: EIF2B1 is on the minus strand). VCF-style: chr12-123621854-C-T. GRCh37 (hg19) VCF-style: chr12-124106401-C-T.
Other names: short protein forms D274N.
Identifiers: ClinVar variation 4845344 (VCV004845344.2).
Genomic context (GRCh38, chr12:123,621,854, plus strand): 5'-AGGGTGTCAGCACGCCCAGGTCTGTAAACAGCAGAGTGATTAAGGAAGGGGCAGTGTAGT[C>T]GACCCACGGATGCTCCTCTTTGAGGTCTTGTCCAGTCTGCGCGACCTTGAGAGTGTCTGC-3'
Protein context (NP_001405.1, residues 264-284): QDLKEEHPWV[Asp274Asn]YTAPSLITLL

ClinVar aggregate classification (germline): Uncertain significance (1 of 4 stars; one submission).

Conditions:
Leukoencephalopathy with vanishing white matter 1 (VWM1). Also called: Cree leukoencephalopathy; CHILDHOOD ATAXIA WITH CENTRAL NERVOUS SYSTEM HYPOMYELINIZATION; Vanishing white matter leukodystrophy; EIF2B1-Related Childhood Ataxia with Central Nervous System Hypomyelination/Vanishing White Matter. Identifiers: Orphanet 99854, MedGen C5779972, MONDO:0020507, OMIM 603896.

gnomAD v4.1: 15 of 1,613,890 alleles (0.00093%); highest among the groups gnomAD compares: South Asian, 0.0077%; no homozygotes.

Submission:

Victorian Clinical Genetics Services, Murdoch Childrens Research Institute
Classification: Uncertain significance for Leukoencephalopathy with vanishing white matter 1. Last evaluated: 2026-03-11. Review status: criteria provided, single submitter. Criteria: ACMG Guidelines, 2015. Collection method: clinical testing. Allele origin: germline. Affected: yes.
Comment: This variant is classified as VUS-3A. Evidence in support of pathogenic classification: Variant is present in gnomAD <0.01 (v4: 15 heterozygote(s), 0 homozygote(s)); Missense variant predicted to be damaging by in silico tool(s) or highly conserved with a major amino acid change; Strong phenotype match for this individual. Additional information: Variant is predicted to result in a missense amino acid change from Asp to Asn; This variant is heterozygous; This gene is associated with autosomal recessive disease. However, there is emerging evidence of heterozygous de novo variants causing a dominant form of disease in babies with neonatal diabetes and transient hepatic dysfunction (PMID: 31882561); Alternative amino acid change(s) at the same position are present in gnomAD (v4: 1 heterozygote(s), 0 homozygote(s)); This variant has no previous evidence of pathogenicity; No published evidence of segregation with disease has been identified for this variant; No published functional evidence has been identified for this variant; Another missense variant(s) comparable to the one identified in this case has inconclusive previous evidence for pathogenicity. p.(Asp274His) is classified as a VUS by a clinical laboratory in ClinVar, with no clinical information provided; Variant is located in the annotated IF-2B domain (DECIPHER); Loss of function is a known mechanism of disease in this gene and is associated with Leukoencephalopathy with vanishing white matter 1, with or without ovarian failure (MIM#603896).

Literature cited by the submitters: PubMed 31882561.